The following is an entry in ClinVar:

NM_000038.6(APC):c.4147A>G (p.Met1383Val)

Gene: APC (APC regulator of Wnt signaling pathway; plus strand). Cytogenetic location: 5q22.2.
Variant type: single nucleotide variant.
Coding change: c.4147A>G on transcript NM_000038.6 (MANE Select); coding-DNA position 4147, A replaced by G.
Protein change: p.Met1383Val; replaces methionine 1383 with valine.
Molecular consequence: missense variant.
Genome position (GRCh38, 1-based): chr5:112,839,741, A>G. VCF-style: chr5-112839741-A-G. GRCh37 (hg19) VCF-style: chr5-112175438-A-G.
Other names: c.4147A>G, p.Met1383Val (NM_001127510.3, NM_001354895.2); c.4093A>G, p.Met1365Val (NM_001127511.3); c.4201A>G, p.Met1401Val (NM_001354896.2); c.4177A>G, p.Met1393Val (NM_001354897.2); c.4072A>G, p.Met1358Val (NM_001354898.2); c.4063A>G, p.Met1355Val (NM_001354899.2); c.4024A>G, p.Met1342Val (NM_001354900.2); c.3970A>G, p.Met1324Val (NM_001354901.2); and 5 more; short protein forms M1365V, M1383V, M1223V, M1282V, M1292V, M1355V, M1358V, M1324V.
Identifiers: ClinVar variation 419388 (VCV000419388.28), dbSNP rs1064793836, ClinGen allele CA16030413.
Genomic context (GRCh38, chr5:112,839,741, plus strand): 5'-AAAAGTGGTGCTCAGACACCCAAAAGTCCACCTGAACACTATGTTCAGGAGACCCCACTC[A>G]TGTTTAGCAGATGTACTTCTGTCAGTTCACTTGATAGTTTTGAGAGTCGTTCGATTGCCA-3'
Protein context (NP_000029.2, residues 1373-1393): PEHYVQETPL[Met1383Val]FSRCTSVSSL

ClinVar aggregate classification (germline): Uncertain significance. Review status: criteria provided, multiple submitters, no conflicts (2 of 4 stars). 7 submissions from 7 submitters: Uncertain significance (7). Last evaluated 2026-05-22.

Conditions:
Hereditary cancer-predisposing syndrome. Also called: Hereditary Cancer Syndrome; Tumor predisposition; Hereditary neoplastic syndrome; Neoplastic Syndromes, Hereditary. Identifiers: Orphanet 140162, MedGen C0027672, MeSH D009386, MONDO:0015356.
Classic or attenuated familial adenomatous polyposis. Identifiers: MedGen CN372698, MONDO:0021057.
Familial adenomatous polyposis 1 (FAP1). Also called: FAMILIAL ADENOMATOUS POLYPOSIS 1, ATTENUATED; POLYPOSIS, ADENOMATOUS INTESTINAL. Identifiers: MedGen C2713442, MONDO:0021056, OMIM 175100. Disease mechanism: loss of function.

Allele frequency attached by ClinVar (database versions not stated): gnomAD exomes below 0.00001.

Submissions (7):

Women's Health and Genetics/Laboratory Corporation of America, LabCorp
Classification: Uncertain significance. Last evaluated: 2026-05-22. Review status: criteria provided, single submitter. Criteria: LabCorp Variant Classification Summary - May 2015. Collection method: clinical testing. Allele origin: germline.
Comment: Variant summary: APC c.4147A>G (p.Met1383Val) results in a conservative amino acid change located in the Adenomatous polyposis coli protein repeat (IPR009223) of the encoded protein sequence. Algorithms developed to predict the effect of missense changes on protein structure and function are either unavailable or do not agree on the potential impact of this missense change. The variant was absent in 250928 control chromosomes. The available data on variant occurrences in the general population are insufficient to allow any conclusion about variant significance. To our knowledge, no occurrence of c.4147A>G in individuals affected with APC-related conditions and no experimental evidence demonstrating its impact on protein function have been reported. ClinVar contains an entry for this variant (Variation ID: 419388). Based on the evidence outlined above, the variant was classified as uncertain significance.

Ambry Genetics
Classification: Uncertain significance for Hereditary cancer-predisposing syndrome. Last evaluated: 2026-04-30. Review status: criteria provided, single submitter. Criteria: Ambry Variant Classification Scheme 2023. Collection method: clinical testing. Allele origin: germline.
Comment: The p.M1383V variant (also known as c.4147A>G), located in coding exon 15 of the APC gene, results from an A to G substitution at nucleotide position 4147. The methionine at codon 1383 is replaced by valine, an amino acid with highly similar properties. This amino acid position is well conserved in available vertebrate species. In addition, in silico predictors for this gene do not accurately predict pathogenicity. Missense alterations in APC are not a common cause of disease (Spier I et al. Genet Med. 2024 Feb;26(2):100992). Since supporting evidence is limited at this time, the clinical significance of this alteration remains unclear.

GeneDx
Classification: Uncertain significance. Last evaluated: 2024-08-27. Review status: criteria provided, single submitter. Criteria: GeneDx Variant Classification Process June 2021. Collection method: clinical testing. Allele origin: germline. Affected: yes.
Comment: Not observed at significant frequency in large population cohorts (gnomAD); In silico analysis indicates that this missense variant does not alter protein structure/function; Observed in an unaffected control individual (PMID: 36243179); This variant is associated with the following publications: (PMID: 36243179, 18199528)

Labcorp Genetics (formerly Invitae), Labcorp
Classification: Uncertain significance for Familial adenomatous polyposis 1. Last evaluated: 2024-04-29. Review status: criteria provided, single submitter. Criteria: Invitae Variant Classification Sherloc (09022015). Collection method: clinical testing. Allele origin: germline.
Comment: This sequence change replaces methionine, which is neutral and non-polar, with valine, which is neutral and non-polar, at codon 1383 of the APC protein (p.Met1383Val). This variant is not present in population databases (gnomAD no frequency). This variant has not been reported in the literature in individuals affected with APC-related conditions. ClinVar contains an entry for this variant (Variation ID: 419388). Advanced modeling of protein sequence and biophysical properties (such as structural, functional, and spatial information, amino acid conservation, physicochemical variation, residue mobility, and thermodynamic stability) performed at Invitae indicates that this missense variant is not expected to disrupt APC protein function with a negative predictive value of 95%. In summary, the available evidence is currently insufficient to determine the role of this variant in disease. Therefore, it has been classified as a Variant of Uncertain Significance.

All of Us Research Program, National Institutes of Health
Classification: Uncertain significance for Classic or attenuated familial adenomatous polyposis. Last evaluated: 2023-06-08. Review status: criteria provided, single submitter. Criteria: ACMG Guidelines, 2015. Collection method: clinical testing. Allele origin: germline. Inheritance: Autosomal dominant inheritance. Observed: 1 variant allele, 1 heterozygote.
Comment: This missense variant replaces methionine with valine at codon 1383 of the APC protein. Computational prediction suggests that this variant may not impact protein structure and function (internally defined REVEL score threshold <= 0.5, PMID: 27666373). To our knowledge, functional studies have not been reported for this variant. This variant has not been reported in individuals affected with APC-related disorders in the literature. This variant has not been identified in the general population by the Genome Aggregation Database (gnomAD). The available evidence is insufficient to determine the role of this variant in disease conclusively. Therefore, this variant is classified as a Variant of Uncertain Significance.

This study involves interpretation of variants in research participants for the purpose of population health screening. Participant phenotype was not available at the time of variant classification. Additional details can be found in publication PMID: 35346344, PMCID: PMC8962531

Neuberg Centre For Genomic Medicine, NCGM
Classification: Uncertain significance for Familial adenomatous polyposis 1. Last evaluated: 2023-05-20. Review status: criteria provided, single submitter. Criteria: ACMG Guidelines, 2015. Collection method: clinical testing. Allele origin: germline. Inheritance: Autosomal dominant inheritance. Affected: yes.
Comment: The observed missense variant c.4147A>G (p.Met1383Val) in APC gene has not been reported previously as a pathogenic variant nor as a benign variant, to our knowledge. The p.Met1383Val variant is absent in gnomAD exomes database. This variant has been submitted to the ClinVar database as Uncertain Significance (multiple submissions). Computational evidence (SIFT - tolerated; Polyphen - benign; MutationTaster - disease causing) predicts conflicting effect on protein structure and function for this variant. The amino acid change p.Met1383Val in APC is predicted as conserved by GERP++ and PhyloP across 100 vertebrates. The amino acid Met at position 1383 is changed to a Val changing protein sequence and it might alter its composition and physico-chemical properties. For these reasons, this variant has been classified as a Variant of Uncertain Significance (VUS).

Color Diagnostics, LLC DBA Color Health
Classification: Uncertain significance for Hereditary cancer-predisposing syndrome. Last evaluated: 2023-05-17. Review status: criteria provided, single submitter. Criteria: ACMG Guidelines, 2015. Collection method: clinical testing. Allele origin: germline.
Comment: This missense variant replaces methionine with valine at codon 1383 of the APC protein. Computational prediction suggests that this variant may not impact protein structure and function (internally defined REVEL score threshold <= 0.5, PMID: 27666373). To our knowledge, functional studies have not been reported for this variant. This variant has not been reported in individuals affected with APC-related disorders in the literature. This variant has not been identified in the general population by the Genome Aggregation Database (gnomAD). The available evidence is insufficient to determine the role of this variant in disease conclusively. Therefore, this variant is classified as a Variant of Uncertain Significance.